The following is an entry in ClinVar:

NM_000038.6(APC):c.6123A>T (p.Glu2041Asp)

Gene: APC (APC regulator of Wnt signaling pathway; plus strand). Cytogenetic location: 5q22.2.
Variant type: single nucleotide variant.
Coding change: c.6123A>T on transcript NM_000038.6 (MANE Select); coding-DNA position 6123, A replaced by T.
Protein change: p.Glu2041Asp; replaces glutamic acid 2041 with aspartic acid.
Molecular consequence: missense variant. On other transcripts: non-coding transcript variant (2).
Genome position (GRCh38, 1-based): chr5:112,841,717, A>T. VCF-style: chr5-112841717-A-T. GRCh37 (hg19) VCF-style: chr5-112177414-A-T.
Other names: c.6123A>T, p.Glu2041Asp (NM_001127510.3, NM_001354895.2, NM_001407450.1); c.6069A>T, p.Glu2023Asp (NM_001127511.3); c.6177A>T, p.Glu2059Asp (NM_001354896.2, NM_001407447.1, NM_001407448.1 and 1 more transcripts); c.6153A>T, p.Glu2051Asp (NM_001354897.2); c.6048A>T, p.Glu2016Asp (NM_001354898.2); c.6039A>T, p.Glu2013Asp (NM_001354899.2); c.6000A>T, p.Glu2000Asp (NM_001354900.2); c.5946A>T, p.Glu1982Asp (NM_001354901.2, NM_001407453.1); and 11 more; short protein forms E1657D, E1758D, E1881D, E1912D, E1915D, E1940D, E1950D, E1958D.
Identifiers: ClinVar variation 4801501 (VCV004801501.1).

ClinVar aggregate classification (germline): Uncertain significance (1 of 4 stars; one submission).

Conditions:
Familial adenomatous polyposis 1 (FAP1). Also called: FAMILIAL ADENOMATOUS POLYPOSIS 1, ATTENUATED; POLYPOSIS, ADENOMATOUS INTESTINAL. Identifiers: MedGen C2713442, MONDO:0021056, OMIM 175100. Disease mechanism: loss of function.

Submission:

Labcorp Genetics (formerly Invitae), Labcorp
Classification: Uncertain significance for Familial adenomatous polyposis 1. Last evaluated: 2025-12-02. Review status: criteria provided, single submitter. Criteria: Invitae Variant Classification Sherloc (09022015). Collection method: clinical testing. Allele origin: germline.
Comment: This sequence change replaces glutamic acid, which is acidic and polar, with aspartic acid, which is acidic and polar, at codon 2041 of the APC protein (p.Glu2041Asp). This variant is not present in population databases (gnomAD no frequency). This variant has not been reported in the literature in individuals affected with APC-related conditions. Invitae Evidence Modeling of protein sequence and biophysical properties (such as structural, functional, and spatial information, amino acid conservation, physicochemical variation, residue mobility, and thermodynamic stability) indicates that this missense variant is not expected to disrupt APC protein function with a negative predictive value of 95%. In summary, the available evidence is currently insufficient to determine the role of this variant in disease. Therefore, it has been classified as a Variant of Uncertain Significance.